The following is an entry in ClinVar:

ClinVar aggregate classification (germline): Pathogenic. Review status: criteria provided, multiple submitters, no conflicts (2 of 4 stars). 3 submissions from 3 submitters: Pathogenic (3). Last evaluated 2024-07-01.

Conditions:
Hereditary spastic paraplegia 11. Also called: Spastic Paraplegia 11; Spastic paraplegia, mental retardation and thin corpus callosum; SPASTIC PARAPLEGIA, AUTOSOMAL RECESSIVE, COMPLICATED, WITH THIN CORPUS CALLOSUM; SPASTIC PARAPLEGIA, AUTOSOMAL RECESSIVE, WITH MENTAL IMPAIRMENT AND THIN CORPUS CALLOSUM; Nakamura Osame syndrome; Autosomal recessive hereditary spastic paraplegia, mental impairment, and thin corpus callosum. Identifiers: Orphanet 2822, MedGen C1858479, MONDO:0011445, OMIM 604360.

Submissions (3):

Labcorp Genetics (formerly Invitae), Labcorp
Classification: Pathogenic for Hereditary spastic paraplegia 11. Last evaluated: 2024-07-01. Review status: criteria provided, single submitter. Criteria: Invitae Variant Classification Sherloc (09022015). Collection method: clinical testing. Allele origin: germline.
Comment: This sequence change creates a premature translational stop signal (p.Tyr2385*) in the SPG11 gene. While this is not anticipated to result in nonsense mediated decay, it is expected to disrupt the last 59 amino acid(s) of the SPG11 protein. This variant is not present in population databases (gnomAD no frequency). This variant has not been reported in the literature in individuals affected with SPG11-related conditions. ClinVar contains an entry for this variant (Variation ID: 872175). This variant disrupts a region of the SPG11 protein in which other variant(s) (p.His2388Thrfs*6) have been determined to be pathogenic (Invitae). This suggests that this is a clinically significant region of the protein, and that variants that disrupt it are likely to be disease-causing. For these reasons, this variant has been classified as Pathogenic.

CeGaT Center for Human Genetics Tuebingen
Classification: Pathogenic. Last evaluated: 2019-07-01. Review status: criteria provided, single submitter. Criteria: CeGaT Center For Human Genetics Tuebingen Variant Classification Criteria Version 2. Collection method: clinical testing. Allele origin: germline. Affected: yes. Observed: 1 variant allele.

Genome-Nilou Lab
Classification: Pathogenic for Hereditary spastic paraplegia 11. Review status: criteria provided, single submitter. Criteria: ACMG Guidelines, 2015. Collection method: clinical testing. Allele origin: germline.

NM_025137.4(SPG11):c.7155T>A (p.Tyr2385Ter)

Gene: SPG11 (SPG11 vesicle trafficking associated, spatacsin; minus strand). Cytogenetic location: 15q21.1.
Variant type: single nucleotide variant.
Coding change: c.7155T>A on transcript NM_025137.4 (MANE Select); coding-DNA position 7155, T replaced by A.
Protein change: p.Tyr2385Ter; replaces tyrosine 2385 with a stop codon.
Molecular consequence: nonsense.
Genome position (GRCh38, 1-based): chr15:44,563,298, A>T on the plus strand (T>A on the coding strand, the complement: SPG11 is on the minus strand). VCF-style: chr15-44563298-A-T. GRCh37 (hg19) VCF-style: chr15-44855496-A-T.
Other names: c.6816T>A, p.Tyr2272Ter (NM_001160227.2); short protein forms Y2385*, Y2272*.
Identifiers: ClinVar variation 872175 (VCV000872175.48), dbSNP rs778305085, ClinGen allele CA392211922.